The following is an entry in ClinVar:

NM_031263.4(HNRNPK):c.779dup (p.Phe261_Asp262insTer)

Gene: HNRNPK (heterogeneous nuclear ribonucleoprotein K; minus strand). Cytogenetic location: 9q21.32.
Variant type: Duplication.
Coding change: c.779dup on transcript NM_031263.4 (MANE Select); coding-DNA position 779, one base duplicated (G; older notation c.779dupG).
Protein change: p.Phe261_Asp262insTer.
Molecular consequence: frameshift variant.
Genome position (GRCh38, 1-based): chr9:83,972,056, C duplicated on the plus strand (G on the coding strand, the reverse complement: HNRNPK is on the minus strand); the first of 2 consecutive C bases (chr9:83,972,056-83,972,057); duplicating either gives the same sequence. VCF-style (leftmost placement, unchanged base first): chr9-83972055-A-AC. GRCh37 (hg19) VCF-style: chr9-86586970-A-AC.
Other names: D262*; c.779dupG (NM_002140.4); c.707dup, p.Phe237_Asp238insTer (NM_001318186.2, NM_001318187.2); c.779dup, p.Phe261_Asp262insTer (NM_001318188.2, NM_002140.5, NM_031262.4).
Identifiers: ClinVar variation 280639 (VCV000280639.3), dbSNP rs886041807, ClinGen allele CA10603108.
Genomic context (GRCh38, chr9:83,972,055, plus strand): 5'-ATAATCTCTTCTAGATGGAGGCATGGGACGCCCACCCCGACCAGGAGGCATTCTGTCAAA[A>AC]CCACCTCTTCCCCGCATGGGAAATCCCACTGGGCGTCCGCGACGGTCATCAAACATCATT-3'

ClinVar aggregate classification (germline): Pathogenic. Review status: criteria provided, multiple submitters, no conflicts (2 of 4 stars). 3 submissions from 3 submitters: Pathogenic (2). 1 of the submissions does not count toward it. Last evaluated 2018-01-07.

Conditions:
Au-Kline syndrome. Also called: Neurodevelopmental disorder-craniofacial dysmorphism-cardiac defect-hip dysplasia syndrome due to a point mutation; Okamoto syndrome. Identifiers: Orphanet 2729, Orphanet 453499, Orphanet 453504, MedGen C4225274, MONDO:0014700, OMIM 616580.

Submissions (3):

Clinical Genetics Research Group, University of Calgary
Classification: Pathogenic for AU-KLINE SYNDROME. Last evaluated: 2018-01-07. Review status: criteria provided, single submitter. Criteria: ACMG Guidelines, 2015. Collection method: clinical testing. Allele origin: de novo. Affected: yes. Observed: 1 variant allele.

GeneDx
Classification: Pathogenic. Last evaluated: 2016-05-27. Review status: criteria provided, single submitter. Criteria: GeneDx Variant Classification (06012015). Collection method: clinical testing. Allele origin: germline. Affected: yes.
Comment: The c.779dupG pathogenic variant in the HNRNPK gene has not been reported previously as a pathogenic variant nor as a benign variant, to our knowledge. The c.779dupG variant causes a frameshift starting with codon Aspartic acid 262, and changes this amino acid to a premature Stop codon, denoted p.Asp262Ter. This variant is predicted to cause loss of normal protein function either through protein truncation or nonsense-mediated mRNA decay. The c.779dupG variant was not observed in approximately 6,500 individuals of European and African American ancestry in the NHLBI Exome Sequencing Project, indicating it is not a common benign variant in these populations. We interpret c.779dupG as a pathogenic variant.

OMIM
Classification: Pathogenic for AU-KLINE SYNDROME. Last evaluated: 2019-03-26. Review status: no assertion criteria provided. Collection method: literature only. Allele origin: germline. Not counted in ClinVar's aggregate classification.

Literature cited by the submitters: PubMed 29904177 (cited by OMIM).